The following is an entry in ClinVar:

ClinVar aggregate classification (germline): Uncertain significance (1 of 4 stars; one submission).

Submission:

GeneDx
Classification: Uncertain significance. Last evaluated: 2025-02-07. Review status: criteria provided, single submitter. Criteria: GeneDx Variant Classification Process June 2021. Collection method: clinical testing. Allele origin: germline. Affected: yes.
Comment: Nonsense variant predicted to result in protein truncation as the last 34 amino acids are lost with an unclear effect on protein function; Not observed at significant frequency in large population cohorts (gnomAD); Has not been previously published as pathogenic or benign to our knowledge

NM_001127453.2(GSDME):c.1387A>T (p.Lys463Ter)

Gene: GSDME (gasdermin E; minus strand). Cytogenetic location: 7p15.3.
Variant type: single nucleotide variant.
Coding change: c.1387A>T on transcript NM_001127453.2 (MANE Select); coding-DNA position 1387, A replaced by T.
Protein change: p.Lys463Ter; replaces lysine 463 with a stop codon.
Molecular consequence: nonsense.
Genome position (GRCh38, 1-based): chr7:24,699,130, T>A on the plus strand (A>T on the coding strand, the complement: GSDME is on the minus strand). VCF-style: chr7-24699130-T-A. GRCh37 (hg19) VCF-style: chr7-24738749-T-A.
Other names: c.895A>T, p.Lys299Ter (NM_001127454.2, NM_001438059.1); c.1387A>T, p.Lys463Ter (NM_004403.3); short protein forms K299*, K463*.
Identifiers: ClinVar variation 4074458 (VCV004074458.1).